The following is an entry in ClinVar:

ClinVar aggregate classification (germline): Uncertain significance. Review status: criteria provided, multiple submitters, no conflicts (2 of 4 stars). 2 submissions from 2 submitters: Uncertain significance (2). Last evaluated 2026-01-20.

Submissions (2):

Ambry Genetics
Classification: Uncertain significance. Last evaluated: 2026-01-20. Review status: criteria provided, single submitter. Criteria: Ambry Variant Classification Scheme 2023. Collection method: clinical testing. Allele origin: germline.
Comment: The p.P116S variant (also known as c.346C>T), located in coding exon 2 of the RNF43 gene, results from a C to T substitution at nucleotide position 346. The proline at codon 116 is replaced by serine, an amino acid with similar properties. This amino acid position is conserved. In addition, this alteration is predicted to be tolerated by in silico analysis. Based on the available evidence, the clinical significance of this variant remains unclear.

GeneDx
Classification: Uncertain significance. Last evaluated: 2022-10-13. Review status: criteria provided, single submitter. Criteria: GeneDx Variant Classification Process June 2021. Collection method: clinical testing. Allele origin: germline. Affected: yes.
Comment: Not observed at significant frequency in large population cohorts (gnomAD); In silico analysis supports that this missense variant has a deleterious effect on protein structure/function; Has not been previously published as pathogenic or benign to our knowledge; Variants in candidate genes are classified as variants of uncertain significance in accordance with ACMG guidelines (Richards et al., 2015)

NM_017763.6(RNF43):c.346C>T (p.Pro116Ser)

Gene: RNF43 (ring finger protein 43; minus strand). Cytogenetic location: 17q22.
Variant type: single nucleotide variant.
Coding change: c.346C>T on transcript NM_017763.6 (MANE Select); coding-DNA position 346, C replaced by T.
Protein change: p.Pro116Ser; replaces proline 116 with serine.
Molecular consequence: missense variant.
Genome position (GRCh38, 1-based): chr17:58,370,940, G>A on the plus strand (C>T on the coding strand, the complement: RNF43 is on the minus strand). VCF-style: chr17-58370940-G-A. GRCh37 (hg19) VCF-style: chr17-56448301-G-A.
Other names: c.346C>T, p.Pro116Ser (NM_001305544.3); c.-36C>T (NM_001305545.2); short protein forms P116S.
Identifiers: ClinVar variation 3342677 (VCV003342677.2).